The following is an entry in ClinVar:

ClinVar aggregate classification (germline): Pathogenic. Review status: criteria provided, multiple submitters, no conflicts (2 of 4 stars). 2 submissions from 2 submitters: Pathogenic (2). Last evaluated 2025-03-24.

Conditions:
Gorlin syndrome. Also called: Nevoid Basal Cell Carcinoma Syndrome; Basal cell nevus syndrome. Identifiers: Orphanet 377, MedGen C0004779, MONDO:0007187.
Hereditary cancer-predisposing syndrome. Also called: Tumor predisposition; Neoplastic Syndromes, Hereditary; Hereditary neoplastic syndrome; Hereditary Cancer Syndrome. Identifiers: Orphanet 140162, MedGen C0027672, MeSH D009386, MONDO:0015356.

Submissions (2):

Ambry Genetics
Classification: Pathogenic for Hereditary cancer-predisposing syndrome. Last evaluated: 2025-03-24. Review status: criteria provided, single submitter. Criteria: Ambry Variant Classification Scheme 2023. Collection method: clinical testing. Allele origin: germline.
Comment: The p.W278* pathogenic mutation (also known as c.834G>A), located in coding exon 6 of the PTCH1 gene, results from a G to A substitution at nucleotide position 834. This changes the amino acid from a tryptophan to a stop codon within coding exon 6. This variant is considered to be rare based on population cohorts in the Genome Aggregation Database (gnomAD). This alteration is expected to result in loss of function by premature protein truncation or nonsense-mediated mRNA decay. As such, this alteration is interpreted as a disease-causing mutation.

Labcorp Genetics (formerly Invitae), Labcorp
Classification: Pathogenic for Gorlin syndrome. Last evaluated: 2023-03-30. Review status: criteria provided, single submitter. Criteria: Invitae Variant Classification Sherloc (09022015). Collection method: clinical testing. Allele origin: germline.
Comment: For these reasons, this variant has been classified as Pathogenic. ClinVar contains an entry for this variant (Variation ID: 1071934). A different variant (c.833G>A) giving rise to the same protein effect has been determined to be pathogenic (PMID: 17021131). This suggests that this variant is also likely to be causative of disease. This variant is not present in population databases (gnomAD no frequency). This sequence change creates a premature translational stop signal (p.Trp278*) in the PTCH1 gene. It is expected to result in an absent or disrupted protein product. Loss-of-function variants in PTCH1 are known to be pathogenic (PMID: 16301862, 16419085).

Literature cited by the submitters: PubMed 27444290 (cited by Ambry Genetics); PubMed 17021131 (cited by Labcorp Genetics (formerly Invitae), Labcorp); PubMed 16301862 (cited by Labcorp Genetics (formerly Invitae), Labcorp); PubMed 16419085 (cited by Labcorp Genetics (formerly Invitae), Labcorp).

NM_000264.5(PTCH1):c.834G>A (p.Trp278Ter)

Gene: PTCH1 (patched 1; minus strand). Cytogenetic location: 9q22.32.
Variant type: single nucleotide variant.
Coding change: c.834G>A on transcript NM_000264.5 (MANE Select); coding-DNA position 834, G replaced by A.
Protein change: p.Trp278Ter; replaces tryptophan 278 with a stop codon.
Molecular consequence: nonsense. On other transcripts: non-coding transcript variant (1).
Genome position (GRCh38, 1-based): chr9:95,480,501, C>T on the plus strand (G>A on the coding strand, the complement: PTCH1 is on the minus strand). VCF-style: chr9-95480501-C-T. GRCh37 (hg19) VCF-style: chr9-98242783-C-T.
Other names: c.834G>A (NM_000264.3); c.636G>A, p.Trp212Ter (NM_001083602.3); c.831G>A, p.Trp277Ter (NM_001083603.3); c.381G>A, p.Trp127Ter (NM_001083604.3, NM_001083605.3, NM_001083606.3 and 1 more transcripts); c.834G>A, p.Trp278Ter (NM_001354918.2); short protein forms W127*, W212*, W277*, W278*.
Identifiers: ClinVar variation 1071934 (VCV001071934.8), dbSNP rs2118420718, ClinGen allele CA374114121.